The following is an entry in ClinVar:

ClinVar aggregate classification (germline): Pathogenic/Likely pathogenic. Review status: criteria provided, multiple submitters, no conflicts (2 of 4 stars). 10 submissions from 10 submitters: Pathogenic (5); Likely pathogenic (4). 1 of the submissions does not count toward it. Last evaluated 2025-12-11.

Conditions:
Wilson disease (WND). Also called: Wilson's disease. Identifiers: Orphanet 905, MedGen C0019202, MONDO:0010200, OMIM 277900. Disease mechanism: loss of function.

Allele frequency attached by ClinVar (database versions not stated): gnomAD 0.00001; gnomAD exomes 0.00001; TOPMed 0.00001; ExAC 0.00002.
gnomAD v4.1: 9 of 1,614,172 alleles (0.00056%); highest among the groups gnomAD compares: Middle Eastern, 0.016%; no homozygotes.

Submissions (10):

Natera, Inc.
Classification: Pathogenic for Wilson disease. Last evaluated: 2025-12-11. Review status: criteria provided, single submitter. Criteria: Natera Variant Classification Schema (03/2026). Collection method: clinical testing. Allele origin: germline.
Comment: The c.3784G>T variant in ATP7B is a missense variant predicted to cause substitution of valine to phenylalanine at amino acid 1262. This variant is rare in the general population with a frequency below the threshold expected for the associated phenotype(s). This variant has been observed in one or more individuals affected with the associated recessive disease, as either homozygous or compound heterozygous with a second variant (PMID: 25704483, 10544227, 27437191). Additionally, this variant has been observed to segregate in affected family members (PMID: 41225982, 37634880). Functional studies show that this variant may disrupt protein function (PMID: 19937698). Computational prediction algorithms indicate this variant is likely to affect gene or protein function. Given the available evidence, this variant is classified as Pathogenic.

GeneDx
Classification: Pathogenic. Last evaluated: 2024-07-31. Review status: criteria provided, single submitter. Criteria: GeneDx Variant Classification Process June 2021. Collection method: clinical testing. Allele origin: germline. Affected: yes.
Comment: Published functional studies indicate that p.(V1262F) impairs the protein expression (PMID: 19937698); Not observed at significant frequency in large population cohorts (gnomAD); In silico analysis supports that this missense variant has a deleterious effect on protein structure/function; This variant is associated with the following publications: (PMID: 10544227, 24253677, 22692182, 27437191, 22677543, 24118554, 20832891, 27147115, 19937698, 25704483, 29930488, 24661374, 20485189, 37634880, 20958917, 37046505, 36574286, 35388883)

Labcorp Genetics (formerly Invitae), Labcorp
Classification: Pathogenic for Wilson disease. Last evaluated: 2024-06-26. Review status: criteria provided, single submitter. Criteria: Invitae Variant Classification Sherloc (09022015). Collection method: clinical testing. Allele origin: germline.
Comment: This sequence change replaces valine, which is neutral and non-polar, with phenylalanine, which is neutral and non-polar, at codon 1262 of the ATP7B protein (p.Val1262Phe). This variant is present in population databases (rs769484789, gnomAD 0.003%). This missense change has been observed in individual(s) with Wilson's disease (PMID: 10544227, 20485189; Invitae). In at least one individual the data is consistent with being in trans (on the opposite chromosome) from a pathogenic variant. ClinVar contains an entry for this variant (Variation ID: 550902). Advanced modeling of protein sequence and biophysical properties (such as structural, functional, and spatial information, amino acid conservation, physicochemical variation, residue mobility, and thermodynamic stability) performed at Invitae indicates that this missense variant is expected to disrupt ATP7B protein function with a positive predictive value of 80%. Experimental studies have shown that this missense change affects ATP7B function (PMID: 19937698). For these reasons, this variant has been classified as Pathogenic.

Revvity Omics, Revvity
Classification: Likely pathogenic for Wilson disease. Last evaluated: 2024-04-23. Review status: criteria provided, single submitter. Criteria: ACMG Guidelines, 2015. Collection method: clinical testing. Allele origin: germline.

Fulgent Genetics
Classification: Likely pathogenic for Wilson disease. Last evaluated: 2024-04-09. Review status: criteria provided, single submitter. Criteria: ACMG Guidelines, 2015. Collection method: clinical testing. Allele origin: germline.

Baylor Genetics
Classification: Pathogenic for Wilson disease. Last evaluated: 2024-03-27. Review status: criteria provided, single submitter. Criteria: ACMG Guidelines, 2015. Collection method: clinical testing. Allele origin: unknown.

All of Us Research Program, National Institutes of Health
Classification: Pathogenic for Wilson disease. Last evaluated: 2023-11-28. Review status: criteria provided, single submitter. Criteria: ACMG Guidelines, 2015. Collection method: clinical testing. Allele origin: germline. Inheritance: Autosomal recessive inheritance. Observed: 1 variant allele, 1 heterozygote.
Comment: This variant was detected in multiple affected individuals as homozygous or as compound heterozygous (in trans) with a pathogenic variant, which is consistent with autosomal recessive inheritance (PMID: 10544227, 20485189, 20958917, 29930488, 35388883). It is rare in large population databases, including the Genome Aggregation Database. This variant is predicted to be deleterious by in silico analysis. Functional studies suggest that this variant has a deleterious effect on the protein (PMID: 19937698, 35388883).

This study involves interpretation of variants in research participants for the purpose of population health screening. Participant phenotype was not available at the time of variant classification. Additional details can be found in publication PMID: 35346344, PMCID: PMC8962531

Laboratory for Molecular Medicine, Mass General Brigham Personalized Medicine
Classification: Likely pathogenic for Wilson disease. Last evaluated: 2022-08-26. Review status: criteria provided, single submitter. Criteria: ACMG Guidelines, 2015. Collection method: clinical testing. Allele origin: germline.
Comment: The p.Val1262Phe variant in ATP7B has been reported in at least 4 individuals with Wilson disease and segregated with disease in 1 affected individual from 1 family (Loudianos 1999 PMID: 10544227, Shim 2018 PMID: 29930488, Song 2022 PMID: 35388883). It has also been identified in 0.001% (1/68052) of European chromosomes by gnomAD. This variant has also been reported in ClinVar (Variation ID 550902). Computational prediction tools and conservation analyses suggest that this variant may impact the protein, though this information is not predictive enough to determine pathogenicity. In vitro functional studies provide some evidence that this variant reduces ATP7B protein expression (van den Berghe 2009 PMID: 19937698); however, these types of assays may not accurately represent biological function. In summary, although additional studies are required to fully establish its clinical significance, this variant meets criteria to be classified as likely pathogenic for autosomal recessive Wilson disease. ACMG/AMP Criteria applied: PM3, PM2_Supporting, PP1, PP3, PS3_Supporting.

Genome-Nilou Lab
Classification: Likely pathogenic for Wilson disease. Last evaluated: 2021-08-10. Review status: criteria provided, single submitter. Criteria: ACMG Guidelines, 2015. Collection method: clinical testing. Allele origin: germline. Affected: no.

Counsyl
Classification: Likely pathogenic for Wilson disease. Last evaluated: 2017-03-01. Review status: no assertion criteria provided. Collection method: clinical testing. Allele origin: unknown. Not counted in ClinVar's aggregate classification.

Literature cited by the submitters: PubMed 25704483 (cited by 3 submitters); PubMed 10544227 (cited by 5 submitters); PubMed 27437191 (cited by 3 submitters); PubMed 41225982 (cited by Natera, Inc.); PubMed 37634880 (cited by Natera, Inc.); PubMed 19937698 (cited by 5 submitters); PubMed 20485189 (cited by 3 submitters); PubMed 20958917 (cited by 3 submitters); PubMed 29930488 (cited by All of Us Research Program, National Institutes of Health and Laboratory for Molecular Medicine, Mass General Brigham Personalized Medicine); PubMed 35388883 (cited by All of Us Research Program, National Institutes of Health); PubMed 22692182 (cited by Laboratory for Molecular Medicine, Mass General Brigham Personalized Medicine); PubMed 24253677 (cited by Laboratory for Molecular Medicine, Mass General Brigham Personalized Medicine); PubMed 24118554 (cited by Laboratory for Molecular Medicine, Mass General Brigham Personalized Medicine and Counsyl); PubMed 24661374 (cited by Laboratory for Molecular Medicine, Mass General Brigham Personalized Medicine and Counsyl).

NM_000053.4(ATP7B):c.3784G>T (p.Val1262Phe)

Gene: ATP7B (ATPase copper transporting beta; minus strand). Cytogenetic location: 13q14.3.
Variant type: single nucleotide variant.
Coding change: c.3784G>T on transcript NM_000053.4 (MANE Select); coding-DNA position 3784, G replaced by T.
Protein change: p.Val1262Phe; replaces valine 1262 with phenylalanine.
Molecular consequence: missense variant.
Genome position (GRCh38, 1-based): chr13:51,937,595, C>A on the plus strand (G>T on the coding strand, the complement: ATP7B is on the minus strand). VCF-style: chr13-51937595-C-A. GRCh37 (hg19) VCF-style: chr13-52511731-C-A.
Other names: c.3163G>T, p.Val1055Phe (NM_001005918.3); c.3451G>T, p.Val1151Phe (NM_001243182.2); c.3550G>T, p.Val1184Phe (NM_001330578.2); c.3532G>T, p.Val1178Phe (NM_001330579.2); short protein forms V1262F, V1055F, V1151F, V1184F, V1178F.
Identifiers: ClinVar variation 550902 (VCV000550902.22), dbSNP rs769484789, ClinGen allele CA6988569.